The following is an entry in ClinVar:

ClinVar aggregate classification (germline): Uncertain significance. Review status: criteria provided, multiple submitters, no conflicts (2 of 4 stars). 3 submissions from 3 submitters: Uncertain significance (3). Last evaluated 2023-04-28.

Conditions:
Methylmalonic acidemia with homocystinuria, type cblX (MAHCX). Also called: INTELLECTUAL DEVELOPMENTAL DISORDER, X-LINKED 3. Identifiers: Orphanet 369962, MedGen C0796208, MONDO:0010657, OMIM 309541.
Inborn genetic diseases. Identifiers: MedGen C0950123, MeSH D030342.

Allele frequency attached by ClinVar (database versions not stated): gnomAD exomes 0.00001; TOPMed 0.00002; gnomAD 0.00004; ExAC 0.00005.
gnomAD v4.1: 10 of 1,181,803 alleles (0.00085%); highest among the groups gnomAD compares: African/African-American, 0.0018%; no homozygotes.

Submissions (3):

Ambry Genetics
Classification: Uncertain significance for Inborn genetic diseases. Last evaluated: 2023-04-28. Review status: criteria provided, single submitter. Criteria: Ambry Variant Classification Scheme 2023. Collection method: clinical testing. Allele origin: germline.

Fulgent Genetics
Classification: Uncertain significance for Methylmalonic acidemia with homocystinuria, type cblX. Last evaluated: 2022-05-18. Review status: criteria provided, single submitter. Criteria: ACMG Guidelines, 2015. Collection method: clinical testing. Allele origin: unknown.

Labcorp Genetics (formerly Invitae), Labcorp
Classification: Uncertain significance for Methylmalonic acidemia with homocystinuria, type cblX. Last evaluated: 2021-08-30. Review status: criteria provided, single submitter. Criteria: Invitae Variant Classification Sherloc (09022015). Collection method: clinical testing. Allele origin: germline.
Comment: This sequence change replaces threonine with isoleucine at codon 1525 of the HCFC1 protein (p.Thr1525Ile). The threonine residue is moderately conserved and there is a moderate physicochemical difference between threonine and isoleucine. This variant is present in population databases (rs782370174, ExAC 0.05%). This variant has not been reported in the literature in individuals affected with HCFC1-related conditions. Algorithms developed to predict the effect of missense changes on protein structure and function are either unavailable or do not agree on the potential impact of this missense change (SIFT: "Deleterious"; PolyPhen-2: "Benign"; Align-GVGD: "Class C0"). In summary, the available evidence is currently insufficient to determine the role of this variant in disease. Therefore, it has been classified as a Variant of Uncertain Significance.

NM_005334.3(HCFC1):c.4574C>T (p.Thr1525Ile)

Gene: HCFC1 (host cell factor C1; minus strand). Cytogenetic location: Xq28.
Variant type: single nucleotide variant.
Coding change: c.4574C>T on transcript NM_005334.3 (MANE Select); coding-DNA position 4574, C replaced by T.
Protein change: p.Thr1525Ile; replaces threonine 1525 with isoleucine.
Molecular consequence: missense variant.
Genome position (GRCh38, 1-based): chrX:153,952,882, G>A on the plus strand (C>T on the coding strand, the complement: HCFC1 is on the minus strand). VCF-style: chrX-153952882-G-A. GRCh37 (hg19) VCF-style: chrX-153218333-G-A.
Other names: c.4574C>T (NM_005334.2); short protein forms T1525I.
Identifiers: ClinVar variation 1497065 (VCV001497065.7), dbSNP rs782370174, ClinGen allele CA10556944.